The following is an entry in ClinVar:

ClinVar aggregate classification (germline): Uncertain significance (1 of 4 stars; one submission).

Conditions:
Early-infantile DEE. Also called: Early infantile epileptic encephalopathy with suppression bursts; Early infantile epileptic encephalopathy; Ohtahara syndrome. Identifiers: Orphanet 1934, MedGen C0393706, MONDO:0800491.

Submission:

Labcorp Genetics (formerly Invitae), Labcorp
Classification: Uncertain significance for Early-infantile DEE. Last evaluated: 2024-01-28. Review status: criteria provided, single submitter. Criteria: Invitae Variant Classification Sherloc (09022015). Collection method: clinical testing. Allele origin: germline.
Comment: This sequence change falls in intron 20 of the SCN1A gene. It does not directly change the encoded amino acid sequence of the SCN1A protein. However, this sequence change falls within a region encompassing a cryptic exon in the SCN1A gene, in which variants have been shown to alter splicing (PMID: 30526861, 34107977). This variant is not present in population databases (gnomAD no frequency). This variant has not been reported in the literature in individuals affected with SCN1A-related conditions. In summary, the available evidence is currently insufficient to determine the role of this variant in disease. Therefore, it has been classified as a Variant of Uncertain Significance.

Literature cited by the submitters: PubMed 30526861; PubMed 34107977.

NM_001165963.4(SCN1A):c.4002+1999_4002+2014del

Genes: SCN1A (sodium voltage-gated channel alpha subunit 1; minus strand), LOC102724058 (uncharacterized LOC102724058; plus strand). Cytogenetic location: 2q24.3.
Variant type: Deletion.
Coding change: c.4002+1999_4002+2014del on transcript NM_001165963.4 (MANE Select); bases 1999 to 2014 of the intron after coding-DNA position 4002, 16 bases deleted (AAGCATGTGCTTTTAT).
Molecular consequence: intron variant.
Genome position (GRCh38, 1-based): chr2:166,007,705-166,007,720, ATAAAAGCACATGCTT deleted on the plus strand (AAGCATGTGCTTTTAT on the coding strand, the reverse complement: SCN1A is on the minus strand). VCF-style (leftmost placement, unchanged base first): chr2-166007704-CATAAAAGCACATGCTT-C. GRCh37 (hg19) VCF-style: chr2-166864214-CATAAAAGCACATGCTT-C.
Other names: c.3969+1999_3969+2014del (NM_001353949.2, NM_001353950.2, NM_001353951.2 and 2 more transcripts); c.3918+1999_3918+2014del (NM_001353958.2, NM_001353957.2, NM_001165964.3); c.4002+1999_4002+2014del (NM_001202435.3, NM_001353948.2); c.3966+1999_3966+2014del (NM_001353955.2, NM_001353954.2); c.3915+1999_3915+2014del (NM_001353960.2); c.1560+1999_1560+2014del (NM_001353961.2).
Identifiers: ClinVar variation 2710559 (VCV002710559.3), dbSNP rs2468475195, ClinGen allele CA2697551218.
Genomic context (GRCh38, chr2:166,007,704, plus strand): 5'-ATTTGTTACTTTCTAACTTCTTATCAAGCACTGTACAACATGCTTTATTCAGTAATGTTG[CATAAAAGCACATGCTT>C]TGAAAAAATAACAGAACAACAAAAATAAAATGAGTGCCTGAGTTACGCTTTGACGCAGCT-3'